The following is an entry in ClinVar:

ClinVar aggregate classification (germline): Uncertain significance (1 of 4 stars; one submission).

Conditions:
Autosomal recessive limb-girdle muscular dystrophy type 2A (LGMDR1). Also called: LEYDEN-MOEBIUS MUSCULAR DYSTROPHY; MUSCULAR DYSTROPHY, PELVOFEMORAL; Limb-girdle muscular dystrophy, type 2A; Muscular dystrophy, limb-girdle, type 2A, Amish; Calpainopathy. Identifiers: Orphanet 267, MedGen C1869123, MONDO:0009675, OMIM 253600. Disease mechanism: loss of function.

Submission:

Labcorp Genetics (formerly Invitae), Labcorp
Classification: Uncertain significance for Autosomal recessive limb-girdle muscular dystrophy type 2A. Last evaluated: 2024-12-05. Review status: criteria provided, single submitter. Criteria: Invitae Variant Classification Sherloc (09022015). Collection method: clinical testing. Allele origin: germline.
Comment: This sequence change replaces tryptophan, which is neutral and slightly polar, with cysteine, which is neutral and slightly polar, at codon 814 of the CAPN3 protein (p.Trp814Cys). This variant is not present in population databases (gnomAD no frequency). This missense change has been observed in individual(s) with autosomal recessive limb-girdle muscular dystrophy (PMID: 27447704). ClinVar contains an entry for this variant (Variation ID: 968518). An algorithm developed to predict the effect of missense changes on protein structure and function (PolyPhen-2) suggests that this variant is likely to be disruptive. In summary, the available evidence is currently insufficient to determine the role of this variant in disease. Therefore, it has been classified as a Variant of Uncertain Significance.

Literature cited by the submitters: PubMed 27447704.

NM_000070.3(CAPN3):c.2442G>C (p.Trp814Cys)

Gene: CAPN3 (calpain 3; plus strand). Cytogenetic location: 15q15.1.
Variant type: single nucleotide variant.
Coding change: c.2442G>C on transcript NM_000070.3 (MANE Select); coding-DNA position 2442, G replaced by C.
Protein change: p.Trp814Cys; replaces tryptophan 814 with cysteine.
Molecular consequence: missense variant.
Genome position (GRCh38, 1-based): chr15:42,411,749, G>C. VCF-style: chr15-42411749-G-C. GRCh37 (hg19) VCF-style: chr15-42703947-G-C.
Other names: c.2424G>C, p.Trp808Cys (NM_024344.2); c.2166G>C, p.Trp722Cys (NM_173087.2); c.906G>C, p.Trp302Cys (NM_173088.2); c.447G>C, p.Trp149Cys (NM_173089.2, NM_173090.2); short protein forms W149C, W722C, W808C, W814C, W302C.
Identifiers: ClinVar variation 968518 (VCV000968518.10), dbSNP rs1595850277, ClinGen allele CA392002376.
Genomic context (GRCh38, chr15:42,411,749, plus strand): 5'-GGGGGGGGGGGGGGTCACTCTTTTCTGATCTACATTCTGATCTTGGGACTTCTTTCAGTG[G>C]CTGCAGCTCACCATGTATGCCTGAACCAGGCTGGCCTCATCCAAAGCCATGCAGGATCAC-3'
Protein context (NP_000061.1, residues 804-821): DGIIKLNVLE[Trp814Cys]LQLTMYA